The following is an entry in ClinVar:

ClinVar aggregate classification (germline): Uncertain significance. Review status: criteria provided, multiple submitters, no conflicts (2 of 4 stars). 2 submissions from 2 submitters: Uncertain significance (2). Last evaluated 2025-05-07.

Conditions:
Kleefstra syndrome 1 (KLEFS1). Identifiers: Orphanet 261494, MedGen C0795833, MONDO:0027407, OMIM 610253.

Allele frequency attached by ClinVar (database versions not stated): gnomAD exomes below 0.00001; TOPMed below 0.00001; ExAC 0.00001.
gnomAD v4.1: 2 of 1,613,976 alleles (0.00012%); highest among the groups gnomAD compares: African/African-American, 0.0013%; no homozygotes.

Submissions (2):

Labcorp Genetics (formerly Invitae), Labcorp
Classification: Uncertain significance for Kleefstra syndrome 1. Last evaluated: 2025-05-07. Review status: criteria provided, single submitter. Criteria: Invitae Variant Classification Sherloc (09022015). Collection method: clinical testing. Allele origin: germline.
Comment: This sequence change replaces isoleucine, which is neutral and non-polar, with valine, which is neutral and non-polar, at codon 1052 of the EHMT1 protein (p.Ile1052Val). This variant is present in population databases (rs747709303, gnomAD 0.0009%). This variant has not been reported in the literature in individuals affected with EHMT1-related conditions. ClinVar contains an entry for this variant (Variation ID: 2573084). Invitae Evidence Modeling of protein sequence and biophysical properties (such as structural, functional, and spatial information, amino acid conservation, physicochemical variation, residue mobility, and thermodynamic stability) indicates that this missense variant is not expected to disrupt EHMT1 protein function with a negative predictive value of 80%. In summary, the available evidence is currently insufficient to determine the role of this variant in disease. Therefore, it has been classified as a Variant of Uncertain Significance.

MVZ Martinsried, Medicover Genetics
Classification: Uncertain significance for Kleefstra syndrome 1. Last evaluated: 2023-02-03. Review status: criteria provided, single submitter. Criteria: ACGS Guidelines, 2020. Collection method: clinical testing. Allele origin: unknown. Affected: yes.

NM_024757.5(EHMT1):c.3154A>G (p.Ile1052Val)

Gene: EHMT1 (euchromatic histone lysine methyltransferase 1; plus strand). Cytogenetic location: 9q34.3.
Variant type: single nucleotide variant.
Coding change: c.3154A>G on transcript NM_024757.5 (MANE Select); coding-DNA position 3154, A replaced by G.
Protein change: p.Ile1052Val; replaces isoleucine 1052 with valine.
Molecular consequence: missense variant.
Genome position (GRCh38, 1-based): chr9:137,813,504, A>G. VCF-style: chr9-137813504-A-G. GRCh37 (hg19) VCF-style: chr9-140707956-A-G.
Other names: c.3133A>G, p.Ile1045Val (NM_001354263.2); short protein forms I1045V, I1052V.
Identifiers: ClinVar variation 2573084 (VCV002573084.4), dbSNP rs747709303, ClinGen allele CA5375177.
Genomic context (GRCh38, chr9:137,813,504, plus strand): 5'-GAGCCATGCCCCAGCAACTACAAGTACGTCTCTCAGAACTGCGTGACGTCCCCCATGAAC[A>G]TCGACAGAAATATCACTCATCTGCAGGTGAGTGACGGCAGATGAAGGGCTGACTCAGGCC-3'
Protein context (NP_079033.4, residues 1042-1062): SQNCVTSPMN[Ile1052Val]DRNITHLQYC